The following is an entry in ClinVar:

ClinVar aggregate classification (germline): Likely benign (1 of 4 stars; one submission).

Conditions:
SPTBN4-related disorder. Also called: SPTBN4-related condition.

Submission:

PreventionGenetics, part of Exact Sciences
Classification: Likely benign for SPTBN4-related condition. Last evaluated: 2026-07-15. Review status: criteria provided, single submitter. Criteria: ACMG Guidelines, 2015. Collection method: clinical testing. Allele origin: germline.
Comment: This variant is classified as likely benign based on ACMG/AMP sequence variant interpretation guidelines (Richards et al. 2015 PMID: 25741868, with internal and published modifications).

NM_020971.3(SPTBN4):c.2607G>A (p.Val869=)

Gene: SPTBN4 (spectrin beta, non-erythrocytic 4; plus strand). Cytogenetic location: 19q13.2.
Variant type: single nucleotide variant.
Coding change: c.2607G>A on transcript NM_020971.3 (MANE Select); coding-DNA position 2607, G replaced by A.
Protein change: p.Val869=; no amino-acid change (valine 869 retained).
Molecular consequence: synonymous variant.
Genome position (GRCh38, 1-based): chr19:40,513,396, G>A. VCF-style: chr19-40513396-G-A. GRCh37 (hg19) VCF-style: chr19-41019303-G-A.
Identifiers: ClinVar variation 4990843 (VCV004990843.1).